The following is an entry in ClinVar:

NM_000553.6(WRN):c.2923G>A (p.Glu975Lys)

Gene: WRN (WRN RecQ like helicase; plus strand). Cytogenetic location: 8p12.
Variant type: single nucleotide variant.
Coding change: c.2923G>A on transcript NM_000553.6 (MANE Select); coding-DNA position 2923, G replaced by A.
Protein change: p.Glu975Lys; replaces glutamic acid 975 with lysine.
Molecular consequence: missense variant.
Genome position (GRCh38, 1-based): chr8:31,132,462, G>A. VCF-style: chr8-31132462-G-A. GRCh37 (hg19) VCF-style: chr8-30989978-G-A.
Other names: short protein forms E975K.
Identifiers: ClinVar variation 936286 (VCV000936286.6), dbSNP rs1398994951, ClinGen allele CA370919136.

ClinVar aggregate classification (germline): Uncertain significance (1 of 4 stars; one submission).

Conditions:
Werner syndrome (WRN). Identifiers: Orphanet 902, MedGen C0043119, MONDO:0010196, OMIM 277700.

Allele frequency attached by ClinVar (database versions not stated): gnomAD 0.00001; gnomAD exomes 0.00001; TOPMed 0.00001.

Submission:

Labcorp Genetics (formerly Invitae), Labcorp
Classification: Uncertain significance for Werner syndrome. Last evaluated: 2024-04-08. Review status: criteria provided, single submitter. Criteria: Invitae Variant Classification Sherloc (09022015). Collection method: clinical testing. Allele origin: germline.
Comment: This sequence change replaces glutamic acid, which is acidic and polar, with lysine, which is basic and polar, at codon 975 of the WRN protein (p.Glu975Lys). This variant is present in population databases (no rsID available, gnomAD 0.003%). This variant has not been reported in the literature in individuals affected with WRN-related conditions. ClinVar contains an entry for this variant (Variation ID: 936286). An algorithm developed to predict the effect of missense changes on protein structure and function (PolyPhen-2) suggests that this variant is likely to be tolerated. In summary, the available evidence is currently insufficient to determine the role of this variant in disease. Therefore, it has been classified as a Variant of Uncertain Significance.